The following is an entry in ClinVar:

ClinVar aggregate classification (germline): Uncertain significance. Review status: criteria provided, multiple submitters, no conflicts (2 of 4 stars). 2 submissions from 2 submitters: Uncertain significance (2). Last evaluated 2024-02-01.

Conditions:
Charcot-Marie-Tooth disease type 2. Also called: Charcot-Marie-Tooth type 2. Identifiers: Orphanet 64746, MedGen C0270914, MONDO:0018993.

Allele frequency attached by ClinVar (database versions not stated): gnomAD 0.00001; TOPMed 0.00001.
gnomAD v4.1: 5 of 1,613,770 alleles (0.00031%); highest among the groups gnomAD compares: African/African-American, 0.0027%; no homozygotes.

Submissions (2):

CeGaT Center for Human Genetics Tuebingen
Classification: Uncertain significance. Last evaluated: 2024-02-01. Review status: criteria provided, single submitter. Criteria: CeGaT Center For Human Genetics Tuebingen Variant Classification Criteria Version 2. Collection method: clinical testing. Allele origin: germline. Affected: yes. Observed: 1 variant allele.
Comment: AARS1: PM2

Labcorp Genetics (formerly Invitae), Labcorp
Classification: Uncertain significance for Charcot-Marie-Tooth disease type 2. Last evaluated: 2024-01-27. Review status: criteria provided, single submitter. Criteria: Invitae Variant Classification Sherloc (09022015). Collection method: clinical testing. Allele origin: germline.
Comment: This sequence change replaces alanine, which is neutral and non-polar, with threonine, which is neutral and polar, at codon 200 of the AARS protein (p.Ala200Thr). This variant is not present in population databases (gnomAD no frequency). This missense change has been observed in individual(s) with clinical features of AARS-related condition (PMID: 31130284). Advanced modeling of protein sequence and biophysical properties (such as structural, functional, and spatial information, amino acid conservation, physicochemical variation, residue mobility, and thermodynamic stability) performed at Invitae indicates that this missense variant is not expected to disrupt AARS protein function with a negative predictive value of 80%. In summary, the available evidence is currently insufficient to determine the role of this variant in disease. Therefore, it has been classified as a Variant of Uncertain Significance.

Literature cited by the submitters: PubMed 31130284 (cited by Labcorp Genetics (formerly Invitae), Labcorp).

NM_001605.3(AARS1):c.598G>A (p.Ala200Thr)

Gene: AARS1 (alanyl-tRNA synthetase 1; minus strand). Cytogenetic location: 16q22.1.
Variant type: single nucleotide variant.
Coding change: c.598G>A on transcript NM_001605.3 (MANE Select); coding-DNA position 598, G replaced by A.
Protein change: p.Ala200Thr; replaces alanine 200 with threonine.
Molecular consequence: missense variant.
Genome position (GRCh38, 1-based): chr16:70,271,854, C>T on the plus strand (G>A on the coding strand, the complement: AARS1 is on the minus strand). VCF-style: chr16-70271854-C-T. GRCh37 (hg19) VCF-style: chr16-70305757-C-T.
Other names: short protein forms A200T.
Identifiers: ClinVar variation 2957577 (VCV002957577.25), dbSNP rs759688388, ClinGen allele CA396566669.